The following is an entry in ClinVar:

ClinVar aggregate classification (germline): Likely benign. Review status: criteria provided, multiple submitters, no conflicts (2 of 4 stars). 2 submissions from 2 submitters: Likely benign (2). Last evaluated 2025-06-23.

Conditions:
Age related macular degeneration 1 (ARMD1). Also called: MACULOPATHY, AGE-RELATED, 1. Identifiers: MedGen C1864205, MONDO:0011285, OMIM 603075.

Allele frequency attached by ClinVar (database versions not stated): gnomAD 0.00001; ExAC 0.00013.
gnomAD v4.1: 73 of 1,509,440 alleles (0.0048%); highest among the groups gnomAD compares: South Asian, 0.072%; 15 homozygotes.

Submissions (2):

Women's Health and Genetics/Laboratory Corporation of America, LabCorp
Classification: Likely benign. Last evaluated: 2025-06-23. Review status: criteria provided, single submitter. Criteria: LabCorp Variant Classification Summary - May 2015. Collection method: clinical testing. Allele origin: germline.
Comment: Variant summary: CFHR3 c.803G>T (p.Cys268Phe) results in a non-conservative amino acid change in the encoded protein sequence. Algorithms developed to predict the effect of missense changes on protein structure and function all suggest that this variant is likely to be disruptive. The variant allele was found at a frequency of 9.4e-05 in 233198 control chromosomes, predominantly at a frequency of 0.00075 within the South Asian subpopulation in the gnomAD database, including 4 homozygotes. The observed variant frequency within South Asian control individuals in the gnomAD database is approximately 4.74 fold of the estimated maximal expected allele frequency for a pathogenic variant in CFHR3 causing Genetic Atypical Hemolytic Uremic Syndrome phenotype (0.00016). To our knowledge, no occurrence of c.803G>T in individuals affected with Genetic Atypical Hemolytic Uremic Syndrome and no experimental evidence demonstrating its impact on protein function have been reported. ClinVar contains an entry for this variant (Variation ID: 523008). Based on the evidence outlined above, the variant was classified as likely benign.

Genomic Research Center, Shahid Beheshti University of Medical Sciences
Classification: Likely benign for Age-related macular degeneration 1. Last evaluated: 2020-05-03. Review status: criteria provided, single submitter. Criteria: ACMG Guidelines, 2015. Collection method: clinical testing. Allele origin: unknown. Affected: yes.

NM_021023.6(CFHR3):c.803G>T (p.Cys268Phe)

Gene: CFHR3 (complement factor H related 3; plus strand). Cytogenetic location: 1q31.3.
Variant type: single nucleotide variant.
Coding change: c.803G>T on transcript NM_021023.6 (MANE Select); coding-DNA position 803, G replaced by T.
Protein change: p.Cys268Phe; replaces cysteine 268 with phenylalanine.
Molecular consequence: missense variant.
Genome position (GRCh38, 1-based): chr1:196,793,323, G>T. VCF-style: chr1-196793323-G-T. GRCh37 (hg19) VCF-style: chr1-196762453-G-T.
Other names: c.620G>T, p.Cys207Phe (NM_001166624.2); short protein forms C268F, C207F.
Identifiers: ClinVar variation 523008 (VCV000523008.5), dbSNP rs745503234, ClinGen allele CA1306293.